The following is an entry in ClinVar:

NM_000548.5(TSC2):c.3876C>G (p.Ser1292=)

Gene: TSC2 (TSC complex subunit 2; plus strand). Cytogenetic location: 16p13.3.
Variant type: single nucleotide variant.
Coding change: c.3876C>G on transcript NM_000548.5 (MANE Select); coding-DNA position 3876, C replaced by G.
Protein change: p.Ser1292=; no amino-acid change (serine 1292 retained).
Molecular consequence: synonymous variant. On other transcripts: non-coding transcript variant (1), intron variant (33).
Genome position (GRCh38, 1-based): chr16:2,082,497, C>G. VCF-style: chr16-2082497-C-G. GRCh37 (hg19) VCF-style: chr16-2132498-C-G.
Other names: c.3144C>G, p.Ser1048= (NM_001318831.2); c.3744C>G, p.Ser1248= (NM_001370404.1, NM_001406665.1); c.3747C>G, p.Ser1249= (NM_001370405.1, NM_021055.3); c.3873C>G, p.Ser1291= (NM_001406663.1); c.3276C>G, p.Ser1092= (NM_001406680.1); c.2403C>G, p.Ser801= (NM_001406690.1); c.2400C>G, p.Ser800= (NM_001406691.1); c.2341+699C>G (NM_001406693.1, NM_001406692.1, NM_001406694.1); and 25 more.
Identifiers: ClinVar variation 3072431 (VCV003072431.4), dbSNP rs1173548095, ClinGen allele CA492955763.

ClinVar aggregate classification (germline): Benign/Likely benign. Review status: criteria provided, multiple submitters, no conflicts (2 of 4 stars). 3 submissions from 3 submitters: Benign (1); Likely benign (2). Last evaluated 2025-07-09.

Conditions:
Hereditary cancer-predisposing syndrome. Also called: Hereditary neoplastic syndrome; Neoplastic Syndromes, Hereditary; Tumor predisposition; Hereditary Cancer Syndrome. Identifiers: Orphanet 140162, MedGen C0027672, MeSH D009386, MONDO:0015356.
Tuberous sclerosis syndrome (TSC). Also called: Tuberous Sclerosis Complex; Tuberous sclerosis. Identifiers: Orphanet 805, MedGen C0041341, MONDO:0001734.
Tuberous sclerosis 2 (TSC2). Identifiers: Orphanet 805, MedGen C1860707, MONDO:0013199, OMIM 613254.

Allele frequency attached by ClinVar (database versions not stated): TOPMed below 0.00001; gnomAD 0.00001.
gnomAD v4.1: 1 of 1,611,724 alleles (0.000062%); highest among the groups gnomAD compares: Non-Finnish European, 0.000085%; no homozygotes.

Submissions (3):

Ambry Genetics
Classification: Likely benign for Hereditary cancer-predisposing syndrome. Last evaluated: 2025-07-09. Review status: criteria provided, single submitter. Criteria: Ambry Variant Classification Scheme 2023. Collection method: clinical testing. Allele origin: germline.

Myriad Genetics, Inc.
Classification: Benign for Tuberous sclerosis 2. Last evaluated: 2025-05-30. Review status: criteria provided, single submitter. Criteria: Myriad Autosomal Dominant, Autosomal Recessive and X-Linked Classification Criteria (2023). Collection method: clinical testing. Allele origin: unknown.
Comment: This variant is considered benign. This variant is a silent/synonymous amino acid change and it is not expected to impact splicing.

All of Us Research Program, National Institutes of Health
Classification: Likely benign for Tuberous sclerosis syndrome. Last evaluated: 2024-07-20. Review status: criteria provided, single submitter. Criteria: ACMG Guidelines, 2015. Collection method: clinical testing. Allele origin: germline. Inheritance: Autosomal dominant inheritance. Observed: 2 variant alleles, 2 heterozygotes.
Comment: This study involves interpretation of variants in research participants for the purpose of population health screening. Participant phenotype was not available at the time of variant classification. Additional details can be found in publication PMID: 35346344, PMCID: PMC8962531